The following is an entry in ClinVar:

NM_001009944.3(PKD1):c.3122C>A (p.Ala1041Glu)

Gene: PKD1 (polycystin 1, transient receptor potential channel interacting; minus strand). Cytogenetic location: 16p13.3.
Variant type: single nucleotide variant.
Coding change: c.3122C>A on transcript NM_001009944.3 (MANE Select); coding-DNA position 3122, C replaced by A.
Protein change: p.Ala1041Glu; replaces alanine 1041 with glutamic acid.
Molecular consequence: missense variant.
Genome position (GRCh38, 1-based): chr16:2,112,827, G>T on the plus strand (C>A on the coding strand, the complement: PKD1 is on the minus strand). VCF-style: chr16-2112827-G-T. GRCh37 (hg19) VCF-style: chr16-2162828-G-T.
Other names: c.3122C>A, p.Ala1041Glu (NM_000296.4); short protein forms A1041E.
Identifiers: ClinVar variation 1698055 (VCV001698055.2), dbSNP rs777881528, ClinGen allele CA394384404.

ClinVar aggregate classification (germline): Uncertain significance (1 of 4 stars; one submission).

Submission:

GeneDx
Classification: Uncertain significance. Last evaluated: 2022-01-20. Review status: criteria provided, single submitter. Criteria: GeneDx Variant Classification Process June 2021. Collection method: clinical testing. Allele origin: germline. Affected: yes.
Comment: Not observed at significant frequency in large population cohorts (gnomAD); In silico analysis supports that this missense variant has a deleterious effect on protein structure/function; Has not been previously published as pathogenic or benign to our knowledge